The following is an entry in ClinVar:

ClinVar aggregate classification (germline): Conflicting classifications of pathogenicity. Review status: criteria provided, conflicting classifications (1 of 4 stars). 2 submissions from 2 submitters: Uncertain significance (1); Likely benign (1). Last evaluated 2024-07-12.

Conditions:
Hereditary cancer-predisposing syndrome. Also called: Hereditary neoplastic syndrome; Neoplastic Syndromes, Hereditary; Tumor predisposition; Hereditary Cancer Syndrome. Identifiers: Orphanet 140162, MedGen C0027672, MeSH D009386, MONDO:0015356.
Hereditary diffuse gastric adenocarcinoma (HDGC). Also called: DIFFUSE GASTRIC AND LOBULAR BREAST CANCER SYNDROME. Identifiers: Orphanet 26106, MedGen C1708349, MONDO:0007648, OMIM 137215.

Submissions (2):

Ambry Genetics
Classification: Likely benign for Hereditary cancer-predisposing syndrome. Last evaluated: 2024-07-12. Review status: criteria provided, single submitter. Criteria: Ambry Variant Classification Scheme 2023. Collection method: clinical testing. Allele origin: germline.

Labcorp Genetics (formerly Invitae), Labcorp
Classification: Uncertain significance for Hereditary diffuse gastric adenocarcinoma. Last evaluated: 2024-04-10. Review status: criteria provided, single submitter. Criteria: Invitae Variant Classification Sherloc (09022015). Collection method: clinical testing. Allele origin: germline.
Comment: This sequence change replaces threonine, which is neutral and polar, with isoleucine, which is neutral and non-polar, at codon 318 of the CDH1 protein (p.Thr318Ile). This variant is not present in population databases (gnomAD no frequency). This variant has not been reported in the literature in individuals affected with CDH1-related conditions. ClinVar contains an entry for this variant (Variation ID: 483249). An algorithm developed to predict the effect of missense changes on protein structure and function (PolyPhen-2) suggests that this variant is likely to be disruptive. In summary, the available evidence is currently insufficient to determine the role of this variant in disease. Therefore, it has been classified as a Variant of Uncertain Significance.

NM_004360.5(CDH1):c.953C>T (p.Thr318Ile)

Gene: CDH1 (cadherin 1; plus strand). Cytogenetic location: 16q22.1.
Variant type: single nucleotide variant.
Coding change: c.953C>T on transcript NM_004360.5 (MANE Select); coding-DNA position 953, C replaced by T.
Protein change: p.Thr318Ile; replaces threonine 318 with isoleucine.
Molecular consequence: missense variant. On other transcripts: 5 prime UTR variant (2).
Genome position (GRCh38, 1-based): chr16:68,811,804, C>T. VCF-style: chr16-68811804-C-T. GRCh37 (hg19) VCF-style: chr16-68845707-C-T.
Other names: c.953C>T (LRG_301t1); c.953C>T, p.Thr318Ile (NM_001317184.2); c.-663C>T (NM_001317185.2); c.-867C>T (NM_001317186.2); short protein forms T318I.
Identifiers: ClinVar variation 483249 (VCV000483249.11), dbSNP rs1555515644, ClinGen allele CA396459796.
Genomic context (GRCh38, chr16:68,811,804, plus strand): 5'-CCGCCATCGCTTACACCATCCTCAGCCAAGATCCTGAGCTCCCTGACAAAAATATGTTCA[C>T]CATTAACAGGAACACAGGAGTCATCAGTGTGGTCACCACTGGGCTGGACCGAGAGGTCAG-3'
Protein context (NP_004351.1, residues 308-328): DPELPDKNMF[Thr318Ile]INRNTGVISV